The following is an entry in ClinVar:

NM_004082.5(DCTN1):c.2504C>T (p.Thr835Met)

Gene: DCTN1 (dynactin subunit 1; minus strand). Cytogenetic location: 2p13.1.
Variant type: single nucleotide variant.
Coding change: c.2504C>T on transcript NM_004082.5 (MANE Select); coding-DNA position 2504, C replaced by T.
Protein change: p.Thr835Met; replaces threonine 835 with methionine.
Molecular consequence: missense variant. On other transcripts: non-coding transcript variant (1).
Genome position (GRCh38, 1-based): chr2:74,366,583, G>A on the plus strand (C>T on the coding strand, the complement: DCTN1 is on the minus strand). VCF-style: chr2-74366583-G-A. GRCh37 (hg19) VCF-style: chr2-74593710-G-A.
Other names: c.2444C>T, p.Thr815Met (NM_001135040.3); c.2102C>T, p.Thr701Met (NM_001135041.3, NM_023019.4); c.2393C>T, p.Thr798Met (NM_001190836.2); c.2483C>T, p.Thr828Met (NM_001190837.2); c.2453C>T, p.Thr818Met (NM_001378991.1); c.2435C>T, p.Thr812Met (NM_001378992.1); short protein forms T812M, T835M, T828M, T815M, T818M, T701M, T798M.
Identifiers: ClinVar variation 2932373 (VCV002932373.3), dbSNP rs1014186556, ClinGen allele CA50475033.

ClinVar aggregate classification (germline): Uncertain significance (1 of 4 stars; one submission).

Conditions:
Amyotrophic lateral sclerosis type 1 (ALS1). Also called: AMYOTROPHIC LATERAL SCLEROSIS 1, FAMILIAL. Identifiers: Orphanet 803, MedGen C1862939, MONDO:0007103, OMIM 105400.
Neuronopathy, distal hereditary motor, type 7B. Also called: HMN VIIB; LOWER MOTOR NEURON DISEASE, DYNACTIN TYPE; NEURONOPATHY, DISTAL HEREDITARY MOTOR, AUTOSOMAL DOMINANT 14; NEURONOPATHY, DISTAL HEREDITARY MOTOR, HARDING TYPE VIIB; NEUROPATHY, DISTAL HEREDITARY MOTOR, HARDING TYPE VIIB; NEUROPATHY, DISTAL HEREDITARY MOTOR, WITH VOCAL CORD PARALYSIS, HARDING TYPE VIIB. Identifiers: Orphanet 139589, MedGen C1843315, MONDO:0011879, OMIM 607641.
Perry syndrome. Also called: PARKINSONISM WITH ALVEOLAR HYPOVENTILATION AND MENTAL DEPRESSION. Identifiers: Orphanet 178509, MedGen C1868594, MONDO:0008201, OMIM 168605.

Allele frequency attached by ClinVar (database versions not stated): gnomAD exomes below 0.00001.
gnomAD v4.1: 1 of 1,613,224 alleles (0.000062%); highest among the groups gnomAD compares: Admixed American, 0.0017%; no homozygotes.

Submission:

Labcorp Genetics (formerly Invitae), Labcorp
Classification: Uncertain significance for Amyotrophic lateral sclerosis type 1; Neuronopathy, distal hereditary motor, type 7B; Perry syndrome. Last evaluated: 2025-01-06. Review status: criteria provided, single submitter. Criteria: Invitae Variant Classification Sherloc (09022015). Collection method: clinical testing. Allele origin: germline.
Comment: This sequence change replaces threonine, which is neutral and polar, with methionine, which is neutral and non-polar, at codon 835 of the DCTN1 protein (p.Thr835Met). This variant is present in population databases (no rsID available, gnomAD 0.003%). This variant has not been reported in the literature in individuals affected with DCTN1-related conditions. ClinVar contains an entry for this variant (Variation ID: 2932373). Invitae Evidence Modeling of protein sequence and biophysical properties (such as structural, functional, and spatial information, amino acid conservation, physicochemical variation, residue mobility, and thermodynamic stability) indicates that this missense variant is not expected to disrupt DCTN1 protein function with a negative predictive value of 95%. In summary, the available evidence is currently insufficient to determine the role of this variant in disease. Therefore, it has been classified as a Variant of Uncertain Significance.